The following is an entry in ClinVar:

NM_133497.4(KCNV2):c.823G>T (p.Val275Leu)

Gene: KCNV2 (potassium voltage-gated channel modifier subfamily V member 2; plus strand). Cytogenetic location: 9p24.2.
Variant type: single nucleotide variant.
Coding change: c.823G>T on transcript NM_133497.4 (MANE Select); coding-DNA position 823, G replaced by T.
Protein change: p.Val275Leu; replaces valine 275 with leucine.
Molecular consequence: missense variant.
Genome position (GRCh38, 1-based): chr9:2,718,562, G>T. VCF-style: chr9-2718562-G-T. GRCh37 (hg19) VCF-style: chr9-2718562-G-T.
Other names: short protein forms V275L.
Identifiers: ClinVar variation 1477333 (VCV001477333.8), dbSNP rs962948174, ClinGen allele CA187973031.

ClinVar aggregate classification (germline): Uncertain significance (1 of 4 stars; one submission).

gnomAD v4.1: 1 of 1,612,570 alleles (0.000062%); highest among the groups gnomAD compares: Non-Finnish European, 0.000085%; no homozygotes.

Submission:

Labcorp Genetics (formerly Invitae), Labcorp
Classification: Uncertain significance. Last evaluated: 2022-03-10. Review status: criteria provided, single submitter. Criteria: Invitae Variant Classification Sherloc (09022015). Collection method: clinical testing. Allele origin: germline.
Comment: In summary, the available evidence is currently insufficient to determine the role of this variant in disease. Therefore, it has been classified as a Variant of Uncertain Significance. Advanced modeling of protein sequence and biophysical properties (such as structural, functional, and spatial information, amino acid conservation, physicochemical variation, residue mobility, and thermodynamic stability) performed at Invitae indicates that this missense variant is expected to disrupt KCNV2 protein function. This variant has not been reported in the literature in individuals affected with KCNV2-related conditions. This variant is not present in population databases (gnomAD no frequency). This sequence change replaces valine, which is neutral and non-polar, with leucine, which is neutral and non-polar, at codon 275 of the KCNV2 protein (p.Val275Leu).